The following is an entry in ClinVar:

NM_205836.3(FBXO38):c.2089A>G (p.Asn697Asp)

Gene: FBXO38 (F-box protein 38; plus strand). Cytogenetic location: 5q32.
Variant type: single nucleotide variant.
Coding change: c.2089A>G on transcript NM_205836.3 (MANE Select); coding-DNA position 2089, A replaced by G.
Protein change: p.Asn697Asp; replaces asparagine 697 with aspartic acid.
Molecular consequence: missense variant. On other transcripts: intron variant (1).
Genome position (GRCh38, 1-based): chr5:148,427,383, A>G. VCF-style: chr5-148427383-A-G. GRCh37 (hg19) VCF-style: chr5-147806946-A-G.
Other names: c.2089A>G, p.Asn697Asp (NM_030793.5); c.1918+1682A>G (NM_001271723.2); short protein forms N697D.
Identifiers: ClinVar variation 1955559 (VCV001955559.5), dbSNP rs750617094, ClinGen allele CA3497442.

ClinVar aggregate classification (germline): Uncertain significance (1 of 4 stars; one submission).

Conditions:
Distal hereditary motor neuropathy type 2. Identifiers: Orphanet 139525, MedGen C3711384, MeSH C580044, MONDO:0015352.

Allele frequency attached by ClinVar (database versions not stated): gnomAD exomes below 0.00001; ExAC 0.00001; gnomAD 0.00001.
gnomAD v4.1: 2 of 1,614,062 alleles (0.00012%); highest among the groups gnomAD compares: Non-Finnish European, 0.00017%; no homozygotes.

Submission:

Labcorp Genetics (formerly Invitae), Labcorp
Classification: Uncertain significance for Distal hereditary motor neuropathy type 2. Last evaluated: 2022-02-01. Review status: criteria provided, single submitter. Criteria: Invitae Variant Classification Sherloc (09022015). Collection method: clinical testing. Allele origin: germline.
Comment: In summary, the available evidence is currently insufficient to determine the role of this variant in disease. Therefore, it has been classified as a Variant of Uncertain Significance. Algorithms developed to predict the effect of missense changes on protein structure and function (SIFT, PolyPhen-2, Align-GVGD) all suggest that this variant is likely to be tolerated. This variant has not been reported in the literature in individuals affected with FBXO38-related conditions. This variant is present in population databases (rs750617094, gnomAD 0.0009%). This sequence change replaces asparagine, which is neutral and polar, with aspartic acid, which is acidic and polar, at codon 697 of the FBXO38 protein (p.Asn697Asp).